The following is an entry in ClinVar:

ClinVar aggregate classification (germline): Uncertain significance. Review status: criteria provided, multiple submitters, no conflicts (2 of 4 stars). 2 submissions from 2 submitters: Uncertain significance (2). Last evaluated 2026-01-23.

Conditions:
Inborn genetic diseases. Identifiers: MedGen C0950123, MeSH D030342.

Submissions (2):

GeneDx
Classification: Uncertain significance. Last evaluated: 2026-01-23. Review status: criteria provided, single submitter. Criteria: GeneDx Variant Classification Process June 2021. Collection method: clinical testing. Allele origin: germline.
Comment: Has not been previously published as pathogenic or benign to our knowledge; In silico analysis does not support a benign or deleterious effect of this variant on protein structure/function

Ambry Genetics
Classification: Uncertain significance for Inborn genetic diseases. Last evaluated: 2024-06-16. Review status: criteria provided, single submitter. Criteria: Ambry Variant Classification Scheme 2023. Collection method: clinical testing. Allele origin: germline.

NM_001372044.2(SHANK3):c.4609C>T (p.Arg1537Cys)

Gene: SHANK3 (SH3 and multiple ankyrin repeat domains 3; plus strand). Cytogenetic location: 22q13.33.
Variant type: single nucleotide variant.
Coding change: c.4609C>T on transcript NM_001372044.2 (MANE Select); coding-DNA position 4609, C replaced by T.
Protein change: p.Arg1537Cys; replaces arginine 1537 with cysteine.
Molecular consequence: missense variant.
Genome position (GRCh38, 1-based): chr22:50,722,217, C>T. VCF-style: chr22-50722217-C-T. GRCh37 (hg19) VCF-style: chr22-51160645-C-T.
Other names: c.4384C>T (NM_033517.1); short protein forms R1537C.
Identifiers: ClinVar variation 3318212 (VCV003318212.2).